The following is an entry in ClinVar:

ClinVar aggregate classification (germline): Uncertain significance. Review status: criteria provided, multiple submitters, no conflicts (2 of 4 stars). 2 submissions from 2 submitters: Uncertain significance (2). Last evaluated 2025-11-03.

Conditions:
Cornelia de Lange syndrome 1 (CDLS1). Also called: TYPUS DEGENERATIVUS AMSTELODAMENSIS; Brachmann de Lange syndrome; NIPBL-Related Cornelia de Lange Syndrome. Identifiers: Orphanet 199, MedGen C4551851, MONDO:0007387, OMIM 122470.

Allele frequency attached by ClinVar (database versions not stated): gnomAD 0.00001; gnomAD exomes 0.00002; TOPMed 0.00002.
gnomAD v4.1: 26 of 1,613,676 alleles (0.0016%); highest among the groups gnomAD compares: Non-Finnish European, 0.002%; no homozygotes.

Submissions (2):

Labcorp Genetics (formerly Invitae), Labcorp
Classification: Uncertain significance for Cornelia de Lange syndrome 1. Last evaluated: 2025-11-03. Review status: criteria provided, single submitter. Criteria: Invitae Variant Classification Sherloc (09022015). Collection method: clinical testing. Allele origin: germline.
Comment: This sequence change replaces asparagine, which is neutral and polar, with serine, which is neutral and polar, at codon 2 of the NIPBL protein (p.Asn2Ser). This variant is present in population databases (no rsID available, gnomAD 0.0009%). This variant has not been reported in the literature in individuals affected with NIPBL-related conditions. ClinVar contains an entry for this variant (Variation ID: 2051079). Invitae Evidence Modeling of protein sequence and biophysical properties (such as structural, functional, and spatial information, amino acid conservation, physicochemical variation, residue mobility, and thermodynamic stability) indicates that this missense variant is expected to disrupt NIPBL protein function with a positive predictive value of 95%. In summary, the available evidence is currently insufficient to determine the role of this variant in disease. Therefore, it has been classified as a Variant of Uncertain Significance.

Clinical Genomics Laboratory, Washington University in St. Louis
Classification: Uncertain significance for Cornelia de Lange syndrome 1. Last evaluated: 2025-08-05. Review status: criteria provided, single submitter. Criteria: ACMG Guidelines, 2015. Collection method: clinical testing. Allele origin: germline.
Comment: The NIPBL c.5A>G (p.Asn2Ser) variant, to our knowledge, has not been reported in the medical literature. This variant is only observed on 1/251,422 alleles in the general population (gnomAD v2.1.1), indicating it is not a common variant. Computational predictors indicate that the variant is damaging, evidence that correlates with impact on NIPBL function. This variant has been reported in the ClinVar database as a germline variant of uncertain significance by a single submitter. Due to limited information, and based on ACMG/AMP guidelines for variant interpretation (Richards S et al., PMID: 25741868), the clinical significance of this variant is uncertain at this time.

NM_133433.4(NIPBL):c.5A>G (p.Asn2Ser)

Gene: NIPBL (NIPBL cohesin loading factor; plus strand). Cytogenetic location: 5p13.2.
Variant type: single nucleotide variant.
Coding change: c.5A>G on transcript NM_133433.4 (MANE Select); coding-DNA position 5, A replaced by G.
Protein change: p.Asn2Ser; replaces asparagine 2 with serine.
Molecular consequence: missense variant.
Genome position (GRCh38, 1-based): chr5:36,953,701, A>G. VCF-style: chr5-36953701-A-G. GRCh37 (hg19) VCF-style: chr5-36953803-A-G.
Other names: c.5A>G, p.Asn2Ser (NM_015384.5); short protein forms N2S.
Identifiers: ClinVar variation 2051079 (VCV002051079.5), dbSNP rs1458071910, ClinGen allele CA359473447.
Genomic context (GRCh38, chr5:36,953,701, plus strand): 5'-ACAGCTGGCACCTGAACTAAGTACTTTTATAGGCAACACCATTCCAGAAATTCAGGATGA[A>G]TGGGGATATGCCCCATGTCCCCATTACTACTCTTGCGGGGATTGCTAGTCTCACAGACCG-3'
Protein context (NP_597677.2, residues 1-12): M[Asn2Ser]GDMPHVPITT